The following is an entry in ClinVar:

ClinVar aggregate classification (germline): Pathogenic/Likely pathogenic. Review status: criteria provided, multiple submitters, no conflicts (2 of 4 stars). 3 submissions from 3 submitters: Pathogenic (2); Likely pathogenic (1). Last evaluated 2024-09-30.

Conditions:
Familial cancer of breast. Also called: Hereditary breast cancer; hereditary breast carcinoma; BREAST CANCER, FAMILIAL. Identifiers: Orphanet 227535, MedGen C0346153, MONDO:0016419, OMIM 114480. Disease mechanism: loss of function.
Ataxia-telangiectasia syndrome (AT). Also called: Ataxia-telangiectasia, complementation group D; AT, COMPLEMENTATION GROUP C; ATAXIA-TELANGIECTASIA, COMPLEMENTATION GROUP A; ATAXIA-TELANGIECTASIA, FRESNO VARIANT; Ataxia-telangiectasia; Ataxia telangiectasia (A-T). Identifiers: Orphanet 100, MedGen C0004135, MONDO:0008840, OMIM 208900.

Submissions (3):

Natera, Inc.
Classification: Likely pathogenic for Ataxia-telangiectasia. Last evaluated: 2024-09-30. Review status: criteria provided, single submitter. Criteria: Natera Variant Classification Schema (03/2026). Collection method: clinical testing. Allele origin: germline.
Comment: The c.6727C>T variant in ATM is a nonsense variant predicted to introduce a stop codon at amino acid 2243. This variant is expected to result in nonsense mediated decay, truncation, or a dysfunctional protein product. This variant is rare in the general population with a frequency below the threshold expected for the associated phenotype(s). Given the available evidence, this variant is classified as Likely Pathogenic.

Labcorp Genetics (formerly Invitae), Labcorp
Classification: Pathogenic for Ataxia-telangiectasia syndrome. Last evaluated: 2024-05-06. Review status: criteria provided, single submitter. Criteria: Invitae Variant Classification Sherloc (09022015). Collection method: clinical testing. Allele origin: germline.
Comment: This sequence change creates a premature translational stop signal (p.Gln2243*) in the ATM gene. It is expected to result in an absent or disrupted protein product. Loss-of-function variants in ATM are known to be pathogenic (PMID: 23807571, 25614872). This variant is not present in population databases (gnomAD no frequency). This variant has not been reported in the literature in individuals affected with ATM-related conditions. ClinVar contains an entry for this variant (Variation ID: 944395). For these reasons, this variant has been classified as Pathogenic.

Myriad Genetics, Inc.
Classification: Pathogenic for Familial cancer of breast. Last evaluated: 2024-01-30. Review status: criteria provided, single submitter. Criteria: Myriad Autosomal Dominant, Autosomal Recessive and X-Linked Classification Criteria (2023). Collection method: clinical testing. Allele origin: unknown.
Comment: This variant is considered pathogenic. This variant creates a termination codon and is predicted to result in premature protein truncation.

Literature cited by the submitters: PubMed 23807571 (cited by Labcorp Genetics (formerly Invitae), Labcorp); PubMed 25614872 (cited by Labcorp Genetics (formerly Invitae), Labcorp).

NM_000051.4(ATM):c.6727C>T (p.Gln2243Ter)

Genes: ATM (ATM serine/threonine kinase; plus strand), C11orf65 (chromosome 11 open reading frame 65; minus strand). Cytogenetic location: 11q22.3.
Variant type: single nucleotide variant.
Coding change: c.6727C>T on transcript NM_000051.4 (MANE Select); coding-DNA position 6727, C replaced by T.
Protein change: p.Gln2243Ter; replaces glutamine 2243 with a stop codon.
Molecular consequence: nonsense. On other transcripts: intron variant (2).
Genome position (GRCh38, 1-based): chr11:108,325,464, C>T. VCF-style: chr11-108325464-C-T. GRCh37 (hg19) VCF-style: chr11-108196191-C-T.
Other names: c.6727C>T, p.Gln2243Ter (NM_001351834.2); c.641-16393G>A (NM_001330368.2); c.*38+9756G>A (NM_001351110.2); short protein forms Q2243*.
Identifiers: ClinVar variation 944395 (VCV000944395.9), dbSNP rs1565518711, ClinGen allele CA382555110.